The following is an entry in ClinVar:

NM_000212.3(ITGB3):c.1260+9G>A

Gene: ITGB3 (integrin subunit beta 3; plus strand). Cytogenetic location: 17q21.32.
Variant type: single nucleotide variant.
Coding change: c.1260+9G>A on transcript NM_000212.3 (MANE Select); 9 bases into the intron after coding-DNA position 1260, G replaced by A.
Molecular consequence: intron variant.
Genome position (GRCh38, 1-based): chr17:47,291,097, G>A. VCF-style: chr17-47291097-G-A. GRCh37 (hg19) VCF-style: chr17-45368463-G-A.
Identifiers: ClinVar variation 3764098 (VCV003764098.2).
Genomic context (GRCh38, chr17:47,291,097, plus strand): 5'-TGAGGTCATCCCTGGCCTCAAGTCTTGTATGGGACTCAAGATTGGAGACACGGTGAGGTG[G>A]GCTGGGCAGGGCCTTTGTCCTGGAGCATCTGTGGGCACCCAACCCCCTTTCTTCCTTTTG-3'

ClinVar aggregate classification (germline): Likely pathogenic (1 of 4 stars; one submission).

Conditions:
Glanzmann thrombasthenia 2. Also called: BLEEDING DISORDER, PLATELET-TYPE, 23. Identifiers: MedGen C5543273, MONDO:0031009, OMIM 619267.

Submission:

Molecular Genetics, Raz Pathobiology and Genetic Laboratory
Classification: Likely pathogenic for Glanzmann thrombasthenia 2. Review status: criteria provided, single submitter. Criteria: Submitter's publication. Collection method: clinical testing. Allele origin: germline. Inheritance: Autosomal recessive inheritance. Affected: yes. Observed: 1 homozygote.
Comment:  The B3 integrin gene, also known as ITGB3 (Integrin Subunit Beta 3), encodes a protein that is a crucial part of the integrin family—specifically, the glycoprotein IIb/IIIa complex (GPIIb/IIIa), which is essential for platelet aggregation and blood clotting. Mutations in this gene can lead to various bleeding disorders, most notably Glanzmann thrombasthenia.